The following is an entry in ClinVar:

NM_001352514.2(HLCS):c.1438G>T (p.Val480Leu)

Gene: HLCS (holocarboxylase synthetase; minus strand). Cytogenetic location: 21q22.13.
Variant type: single nucleotide variant.
Coding change: c.1438G>T on transcript NM_001352514.2 (MANE Select); coding-DNA position 1438, G replaced by T.
Protein change: p.Val480Leu; replaces valine 480 with leucine.
Molecular consequence: missense variant. On other transcripts: non-coding transcript variant (2).
Genome position (GRCh38, 1-based): chr21:36,930,433, C>A on the plus strand (G>T on the coding strand, the complement: HLCS is on the minus strand). VCF-style: chr21-36930433-C-A. GRCh37 (hg19) VCF-style: chr21-38302733-C-A.
Other names: c.997G>T, p.Val333Leu (NM_000411.8, NM_001242784.3, NM_001242785.2 and 4 more transcripts); short protein forms V333L, V480L.
Identifiers: ClinVar variation 2137937 (VCV002137937.3), dbSNP rs780790877, ClinGen allele CA10020547.

ClinVar aggregate classification (germline): Uncertain significance (1 of 4 stars; one submission).

Conditions:
Holocarboxylase synthetase deficiency. Also called: MULTIPLE CARBOXYLASE DEFICIENCY, EARLY ONSET. Identifiers: Orphanet 79242, MedGen C0268581, MONDO:0009666, OMIM 253270.

Allele frequency attached by ClinVar (database versions not stated): ExAC 0.00003.
gnomAD v4.1: 113 of 1,613,098 alleles (0.007%); highest among the groups gnomAD compares: Non-Finnish European, 0.0085%; no homozygotes.

Submissions (2):

Labcorp Genetics (formerly Invitae), Labcorp
Classification: Uncertain significance for Holocarboxylase synthetase deficiency. Last evaluated: 2025-02-24. Review status: criteria provided, single submitter. Criteria: Invitae Variant Classification Sherloc (09022015). Collection method: clinical testing. Allele origin: germline.
Comment: This sequence change replaces valine, which is neutral and non-polar, with leucine, which is neutral and non-polar, at codon 333 of the HLCS protein (p.Val333Leu). This variant is present in population databases (rs780790877, gnomAD 0.01%). This variant has not been reported in the literature in individuals affected with HLCS-related conditions. ClinVar contains an entry for this variant (Variation ID: 2137937). Invitae Evidence Modeling of protein sequence and biophysical properties (such as structural, functional, and spatial information, amino acid conservation, physicochemical variation, residue mobility, and thermodynamic stability) has been performed for this missense variant. However, the output from this modeling did not meet the statistical confidence thresholds required to predict the impact of this variant on HLCS protein function. In summary, the available evidence is currently insufficient to determine the role of this variant in disease. Therefore, it has been classified as a Variant of Uncertain Significance.

Dr. Peter K. Rogan Lab, Western University
No classification provided (evidence only). Condition: Clear cell carcinoma of kidney. Review status: no classification provided. Collection method: in vitro. Allele origin: not applicable. Functional consequence: skipped exon, retained intron. Not counted in ClinVar's aggregate classification.